The following is an entry in ClinVar:

NM_013247.5(HTRA2):c.949del (p.Glu316_Val317insTer)

Gene: HTRA2 (HtrA serine peptidase 2; plus strand). Cytogenetic location: 2p13.1.
Variant type: Deletion.
Coding change: c.949del on transcript NM_013247.5 (MANE Select); coding-DNA position 949, one base deleted (G; older notation c.949delG).
Protein change: p.Glu316_Val317insTer.
Molecular consequence: nonsense. On other transcripts: non-coding transcript variant (4).
Genome position (GRCh38, 1-based): chr2:74,531,606, G deleted; the last of 2 consecutive G bases (chr2:74,531,605-74,531,606); deleting either gives the same sequence. VCF-style (leftmost placement, unchanged base first): chr2-74531604-AG-A. GRCh37 (hg19) VCF-style: chr2-74758731-AG-A.
Other names: c.979del, p.Glu326_Val327insTer (NM_001321727.1); c.949del, p.Glu316_Val317insTer (NM_001321728.1); c.754del, p.Glu251_Val252insTer (NM_145074.2).
Identifiers: ClinVar variation 1452577 (VCV001452577.6), dbSNP rs2104374324, ClinGen allele CA2573135995.
Genomic context (GRCh38, chr2:74,531,604, plus strand): 5'-CCCATCCCCTACTATTTGTTTAGGCTAGGGAACTGGGGGCTGTATCCCTGCAGGATGGGG[AG>A]GTGATTGGAGTGAACACCATGAAGGTCACAGCTGGAATCTCCTTTGCCATCCCTTCTGAT-3'

ClinVar aggregate classification (germline): Pathogenic (1 of 4 stars; one submission).

Submission:

Labcorp Genetics (formerly Invitae), Labcorp
Classification: Pathogenic. Last evaluated: 2022-07-19. Review status: criteria provided, single submitter. Criteria: Invitae Variant Classification Sherloc (09022015). Collection method: clinical testing. Allele origin: germline.
Comment: This variant has not been reported in the literature in individuals affected with HTRA2-related conditions. For these reasons, this variant has been classified as Pathogenic. ClinVar contains an entry for this variant (Variation ID: 1452577). This variant is not present in population databases (gnomAD no frequency). This sequence change creates a premature translational stop signal (p.Val317*) in the HTRA2 gene. It is expected to result in an absent or disrupted protein product. Loss-of-function variants in HTRA2 are known to be pathogenic (PMID: 25531304, 27208207, 27696117).

Literature cited by the submitters: PubMed 25531304; PubMed 27208207; PubMed 27696117.